The following is an entry in ClinVar:

NM_002221.4(ITPKB):c.2557G>A (p.Ala853Thr)

Gene: ITPKB (inositol-trisphosphate 3-kinase B; minus strand). Cytogenetic location: 1q42.12.
Variant type: single nucleotide variant.
Coding change: c.2557G>A on transcript NM_002221.4 (MANE Select); coding-DNA position 2557, G replaced by A.
Protein change: p.Ala853Thr; replaces alanine 853 with threonine.
Molecular consequence: missense variant.
Genome position (GRCh38, 1-based): chr1:226,637,747, C>T on the plus strand (G>A on the coding strand, the complement: ITPKB is on the minus strand). VCF-style: chr1-226637747-C-T. GRCh37 (hg19) VCF-style: chr1-226825448-C-T.
Other names: short protein forms A853T.
Identifiers: ClinVar variation 4848539 (VCV004848539.1).

ClinVar aggregate classification (germline): Uncertain significance (1 of 4 stars; one submission).

Submission:

Women's Health and Genetics/Laboratory Corporation of America, LabCorp
Classification: Uncertain significance. Last evaluated: 2026-04-15. Review status: criteria provided, single submitter. Criteria: LabCorp Variant Classification Summary - May 2015. Collection method: clinical testing. Allele origin: germline.
Comment: Variant summary: ITPKB c.2557G>A (p.Ala853Thr) results in a non-conservative amino acid change in the encoded protein sequence. Algorithms developed to predict the effect of missense changes on protein structure and function are either unavailable or do not agree on the potential impact of this missense change. The variant allele was found at a frequency of 0.0017 in 250650 control chromosomes in the gnomAD database, including 2 homozygotes. This frequency is not significantly higher than estimated for disease-causing variants in ITPKB, allowing no conclusion about variant significance. To our knowledge, no occurrence of c.2557G>A in individuals affected with ITPKB-related conditions and no experimental evidence demonstrating its impact on protein function have been reported. No submitters have cited clinical-significance assessments for this variant to ClinVar. Based on the evidence outlined above, the variant was classified as uncertain significance.